The following is an entry in ClinVar:

NM_001098816.3(TENM4):c.4102A>G (p.Met1368Val)

Gene: TENM4 (teneurin transmembrane protein 4; minus strand). Cytogenetic location: 11q14.1.
Variant type: single nucleotide variant.
Coding change: c.4102A>G on transcript NM_001098816.3 (MANE Select); coding-DNA position 4102, A replaced by G.
Protein change: p.Met1368Val; replaces methionine 1368 with valine.
Molecular consequence: missense variant.
Genome position (GRCh38, 1-based): chr11:78,708,468, T>C on the plus strand (A>G on the coding strand, the complement: TENM4 is on the minus strand). VCF-style: chr11-78708468-T-C. GRCh37 (hg19) VCF-style: chr11-78419513-T-C.
Other names: p.Met1368Val; short protein forms M1368V.
Identifiers: ClinVar variation 2683163 (VCV002683163.1), dbSNP rs2497542765, ClinGen allele CA382149396.

ClinVar aggregate classification (germline): Uncertain significance (1 of 4 stars; one submission).

Allele frequency attached by ClinVar (database versions not stated): gnomAD exomes 0.00001.

Submission:

Mayo Clinic Laboratories, Mayo Clinic
Classification: Uncertain significance. Last evaluated: 2023-02-21. Review status: criteria provided, single submitter. Criteria: ACMG Guidelines, 2015. Collection method: clinical testing. Allele origin: germline. Observed: 1 variant allele.
Comment: PP3, PM2